The following is an entry in ClinVar:

NM_004656.4(BAP1):c.1042C>T (p.Pro348Ser)

Gene: BAP1 (BRCA1 associated deubiquitinase 1; minus strand). Cytogenetic location: 3p21.1.
Variant type: single nucleotide variant.
Coding change: c.1042C>T on transcript NM_004656.4 (MANE Select); coding-DNA position 1042, C replaced by T.
Protein change: p.Pro348Ser; replaces proline 348 with serine.
Molecular consequence: missense variant.
Genome position (GRCh38, 1-based): chr3:52,405,184, G>A on the plus strand (C>T on the coding strand, the complement: BAP1 is on the minus strand). VCF-style: chr3-52405184-G-A. GRCh37 (hg19) VCF-style: chr3-52439200-G-A.
Other names: short protein forms P348S.
Identifiers: ClinVar variation 927356 (VCV000927356.16), dbSNP rs1250297448, ClinGen allele CA353105799.

ClinVar aggregate classification (germline): Conflicting classifications of pathogenicity. Review status: criteria provided, conflicting classifications (1 of 4 stars). 4 submissions from 4 submitters: Uncertain significance (3); Benign (1). Last evaluated 2025-12-05.

Conditions:
Hereditary cancer-predisposing syndrome. Also called: Neoplastic Syndromes, Hereditary; Hereditary Cancer Syndrome; Tumor predisposition; Hereditary neoplastic syndrome. Identifiers: Orphanet 140162, MedGen C0027672, MeSH D009386, MONDO:0015356.
BAP1-related tumor predisposition syndrome (TPDS1). Also called: COMMON Syndrome; TUMOR PREDISPOSITION SYNDROME 1; Tumor susceptibility linked to germline BAP1 mutations; BAP1 tumor predisposition syndrome. Identifiers: Orphanet 289539, MedGen C3280492, MONDO:0013692, OMIM 614327.

Allele frequency attached by ClinVar (database versions not stated): gnomAD exomes below 0.00001; TOPMed 0.00001.
gnomAD v4.1: 2 of 1,614,118 alleles (0.00012%); highest among the groups gnomAD compares: Non-Finnish European, 0.00017%; no homozygotes.

Submissions (4):

Labcorp Genetics (formerly Invitae), Labcorp
Classification: Uncertain significance for BAP1-related tumor predisposition syndrome. Last evaluated: 2025-12-05. Review status: criteria provided, single submitter. Criteria: Invitae Variant Classification Sherloc (09022015). Collection method: clinical testing. Allele origin: germline.
Comment: This sequence change replaces proline, which is neutral and non-polar, with serine, which is neutral and polar, at codon 348 of the BAP1 protein (p.Pro348Ser). This variant is not present in population databases (gnomAD no frequency). This variant has not been reported in the literature in individuals affected with BAP1-related conditions. ClinVar contains an entry for this variant (Variation ID: 927356). Invitae Evidence Modeling of protein sequence and biophysical properties (such as structural, functional, and spatial information, amino acid conservation, physicochemical variation, residue mobility, and thermodynamic stability) indicates that this missense variant is not expected to disrupt BAP1 protein function with a negative predictive value of 80%. In summary, the available evidence is currently insufficient to determine the role of this variant in disease. Therefore, it has been classified as a Variant of Uncertain Significance.

Ambry Genetics
Classification: Benign for Hereditary cancer-predisposing syndrome. Last evaluated: 2025-09-16. Review status: criteria provided, single submitter. Criteria: Ambry Variant Classification Scheme 2023. Collection method: clinical testing. Allele origin: germline.

Color Diagnostics, LLC DBA Color Health
Classification: Uncertain significance for Hereditary cancer-predisposing syndrome. Last evaluated: 2024-03-06. Review status: criteria provided, single submitter. Criteria: ACMG Guidelines, 2015. Collection method: clinical testing. Allele origin: germline.
Comment: This missense variant replaces proline with serine at codon 348 of the BAP1 protein. Computational prediction tool suggests that this variant may not impact protein structure and function (internally defined REVEL score threshold <=0.5, PMID: 27666373). Splice site prediction tools suggest that this variant may not impact RNA splicing. To our knowledge, functional studies have not been performed for this variant. This variant has not been reported in individuals affected with hereditary cancer in the literature. This variant has not been identified in the general population by the Genome Aggregation Database (gnomAD). The available evidence is insufficient to determine the role of this variant in disease conclusively. Therefore, this variant is classified as a Variant of Uncertain Significance.

Baylor Genetics
Classification: Uncertain significance for BAP1-related tumor predisposition syndrome. Last evaluated: 2023-07-24. Review status: criteria provided, single submitter. Criteria: ACMG Guidelines, 2015. Collection method: clinical testing. Allele origin: unknown.

Literature cited by the submitters: PubMed 38969833 (cited by Ambry Genetics).